The following is an entry in ClinVar:

NM_000138.5(FBN1):c.6038-8T>A

Gene: FBN1 (fibrillin 1; minus strand). Cytogenetic location: 15q21.1.
Variant type: single nucleotide variant.
Coding change: c.6038-8T>A on transcript NM_000138.5 (MANE Select); 8 bases into the intron before coding-DNA position 6038, T replaced by A.
Molecular consequence: intron variant.
Genome position (GRCh38, 1-based): chr15:48,441,854, A>T on the plus strand (T>A on the coding strand, the complement: FBN1 is on the minus strand). VCF-style: chr15-48441854-A-T. GRCh37 (hg19) VCF-style: chr15-48734051-A-T.
Identifiers: ClinVar variation 389955 (VCV000389955.39), dbSNP rs569460847, ClinGen allele CA056147.

ClinVar aggregate classification (germline): Benign/Likely benign. Review status: criteria provided, multiple submitters, no conflicts (2 of 4 stars). 7 submissions from 7 submitters: Benign (4); Likely benign (2). 1 of the submissions does not count toward it. Last evaluated 2026-01-20.

Conditions:
Familial thoracic aortic aneurysm and aortic dissection (TAAD). Also called: Thoracic aortic aneurysms and dissections. Identifiers: Orphanet 91387, MedGen C4707243, MONDO:0019625.
Marfan syndrome (MFS). Also called: Marfan syndrome type 1; Marfan's syndrome; FBN1-Related Marfan Syndrome; MARFAN SYNDROME, TYPE I; Marfan syndrome, classic. Identifiers: Orphanet 284963, Orphanet 558, MedGen C0024796, MONDO:0007947, OMIM 154700.
FBN1-related disorder. Also called: FBN1-related disorders.

Allele frequency attached by ClinVar (database versions not stated): gnomAD 0.00001 and 0.00012; TOPMed 0.00002; gnomAD exomes 0.00065; ExAC 0.00068; 1000 Genomes Project 0.00080; 1000 Genomes Project 30x 0.00125.
gnomAD v4.1: 408 of 1,612,854 alleles (0.025%); highest among the groups gnomAD compares: South Asian, 0.43%; 4 homozygotes.

Submissions (7):

Labcorp Genetics (formerly Invitae), Labcorp
Classification: Benign for Marfan syndrome; Familial thoracic aortic aneurysm and aortic dissection. Last evaluated: 2026-01-20. Review status: criteria provided, single submitter. Criteria: Invitae Variant Classification Sherloc (09022015). Collection method: clinical testing. Allele origin: germline.

Blueprint Genetics
Classification: Likely benign. Last evaluated: 2024-11-25. Review status: criteria provided, single submitter. Criteria: ACMG Guidelines, 2015. Collection method: clinical testing. Allele origin: germline.

CeGaT Center for Human Genetics Tuebingen
Classification: Likely benign. Last evaluated: 2022-12-01. Review status: criteria provided, single submitter. Criteria: CeGaT Center For Human Genetics Tuebingen Variant Classification Criteria Version 2. Collection method: clinical testing. Allele origin: germline. Affected: yes. Observed: 1 variant allele.
Comment: FBN1: BP4, BS1

Women's Health and Genetics/Laboratory Corporation of America, LabCorp
Classification: Benign. Last evaluated: 2021-05-24. Review status: criteria provided, single submitter. Criteria: LabCorp Variant Classification Summary - May 2015. Collection method: clinical testing. Allele origin: germline.
Comment: Variant summary: FBN1 c.6038-8T>A alters a conserved nucleotide located close to a canonical splice site and therefore could affect mRNA splicing, leading to a significantly altered protein sequence. Several computational tools predict a significant impact on normal splicing: Four predict the variant abolishes a 3' acceptor site. However, these predictions have yet to be confirmed by functional studies. The variant allele was found at a frequency of 0.00065 in 249896 control chromosomes, predominantly at a frequency of 0.0053 within the South Asian subpopulation in the gnomAD database, including 2 homozygotes. The observed variant frequency within South Asian control individuals in the gnomAD database is approximately 47.11 fold of the estimated maximal expected allele frequency for a pathogenic variant in FBN1 causing Marfan Syndrome phenotype (0.00011), strongly suggesting that the variant is a benign polymorphism found primarily in populations of South Asian origin. To our knowledge, no occurrence of c.6038-8T>A in individuals affected with Marfan Syndrome and no experimental evidence demonstrating its impact on protein function have been reported. Three clinical diagnostic laboratories have submitted clinical-significance assessments for this variant to ClinVar after 2014 without evidence for independent evaluation. All laboratories classified the variant as benign/likely benign. Based on the evidence outlined above, the variant was classified as benign.

GeneDx
Classification: Benign. Last evaluated: 2020-02-11. Review status: criteria provided, single submitter. Criteria: GeneDx Variant Classification Process June 2021. Collection method: clinical testing. Allele origin: germline. Affected: yes.

Color Diagnostics, LLC DBA Color Health
Classification: Benign for Familial thoracic aortic aneurysm and aortic dissection. Last evaluated: 2018-10-03. Review status: criteria provided, single submitter. Criteria: ACMG Guidelines, 2015. Collection method: clinical testing. Allele origin: germline.

PreventionGenetics, part of Exact Sciences
Classification: Likely benign for FBN1-related condition. Last evaluated: 2024-06-21. Review status: no assertion criteria provided. Collection method: clinical testing. Allele origin: germline. Not counted in ClinVar's aggregate classification.
Comment: This variant is classified as likely benign based on ACMG/AMP sequence variant interpretation guidelines (Richards et al. 2015 PMID: 25741868, with internal and published modifications).